The following is an entry in ClinVar:

NM_000748.3(CHRNB2):c.791AGA[1] (p.Lys265del)

Gene: CHRNB2 (cholinergic receptor nicotinic beta 2 subunit; plus strand). Cytogenetic location: 1q21.3.
Variant type: Microsatellite.
Coding change: c.791AGA[1] on transcript NM_000748.3 (MANE Select); one copy of the 3-base unit AGA starting at c.791; the reference has two copies in a row; one copy, 3 bases deleted.
Protein change: p.Lys265del; deletes lysine 265.
Molecular consequence: inframe deletion.
Genome position (GRCh38, 1-based): chr1:154,571,617-154,571,619, AGA deleted; deleting any 3 consecutive bases within chr1:154,571,614-154,571,619 gives the same sequence; the position shown is the placement nearest the transcript's 3' end. VCF-style (leftmost placement, unchanged base first): chr1-154571613-GAGA-G. GRCh37 (hg19) VCF-style: chr1-154544089-GAGA-G.
Other names: short protein forms K265del.
Identifiers: ClinVar variation 1707169 (VCV001707169.8), dbSNP rs2526369976, ClinGen allele CA2580611496.
Genomic context (GRCh38, chr1:154,571,613, plus strand): 5'-CCCTGTGTGCTCATCACCTCGCTAGCCATCCTTGTCTTCTACCTGCCATCCGACTGTGGC[GAGA>G]AGATGACGTTGTGCATCTCAGTGCTGCTGGCGCTCACGGTCTTCCTGCTGCTCATCTCCA-3'

ClinVar aggregate classification (germline): Uncertain significance. Review status: criteria provided, multiple submitters, no conflicts (2 of 4 stars). 2 submissions from 2 submitters: Uncertain significance (2). Last evaluated 2025-05-14.

Conditions:
Familial sleep-related hypermotor epilepsy. Also called: Autosomal Dominant Sleep-Related Hypermotor (Hyperkinetic) Epilepsy. Identifiers: Orphanet 98784, MedGen C3696898, MONDO:0000030.

Submissions (2):

GeneDx
Classification: Uncertain significance. Last evaluated: 2025-05-14. Review status: criteria provided, single submitter. Criteria: GeneDx Variant Classification Process June 2021. Collection method: clinical testing. Allele origin: germline. Affected: yes.
Comment: Not observed at significant frequency in large population cohorts (gnomAD); In-frame deletion of 1 amino acid(s) in a non-repeat region; In silico analysis supports a deleterious effect on protein structure/function; Has not been previously published as pathogenic or benign to our knowledge

Labcorp Genetics (formerly Invitae), Labcorp
Classification: Uncertain significance. Last evaluated: 2022-07-29. Review status: criteria provided, single submitter. Criteria: Invitae Variant Classification Sherloc (09022015). Collection method: clinical testing. Allele origin: germline.
Comment: In summary, the available evidence is currently insufficient to determine the role of this variant in disease. Therefore, it has been classified as a Variant of Uncertain Significance. This variant is not present in population databases (gnomAD no frequency). This variant has not been reported in the literature in individuals affected with CHRNB2-related conditions. Experimental studies and prediction algorithms are not available or were not evaluated, and the functional significance of this variant is currently unknown. This variant, c.794_796del, results in the deletion of 1 amino acid(s) of the CHRNB2 protein (p.Lys265del), but otherwise preserves the integrity of the reading frame.